The following is an entry in ClinVar:

NM_025144.4(ALPK1):c.1463T>C (p.Val488Ala)

Gene: ALPK1 (alpha kinase 1; plus strand). Cytogenetic location: 4q25.
Variant type: single nucleotide variant.
Coding change: c.1463T>C on transcript NM_025144.4 (MANE Select); coding-DNA position 1463, T replaced by C.
Protein change: p.Val488Ala; replaces valine 488 with alanine.
Molecular consequence: missense variant.
Genome position (GRCh38, 1-based): chr4:112,431,010, T>C. VCF-style: chr4-112431010-T-C. GRCh37 (hg19) VCF-style: chr4-113352166-T-C.
Other names: c.1463T>C, p.Val488Ala (NM_001102406.2); c.1229T>C, p.Val410Ala (NM_001253884.2); c.1463T>C (NM_025144.3); short protein forms V410A, V488A.
Identifiers: ClinVar variation 2892977 (VCV002892977.4), dbSNP rs752614014, ClinGen allele CA3046726.

ClinVar aggregate classification (germline): Uncertain significance. Review status: criteria provided, multiple submitters, no conflicts (2 of 4 stars). 2 submissions from 2 submitters: Uncertain significance (2). Last evaluated 2026-06-28.

Conditions:
Inborn genetic diseases. Identifiers: MedGen C0950123, MeSH D030342.

Allele frequency attached by ClinVar (database versions not stated): TOPMed 0.00003; gnomAD 0.00004; gnomAD exomes below 0.00001; ExAC 0.00001.
gnomAD v4.1: 13 of 1,612,450 alleles (0.00081%); highest among the groups gnomAD compares: African/African-American, 0.011%; no homozygotes.

Submissions (2):

Ambry Genetics
Classification: Uncertain significance for Inborn genetic diseases. Last evaluated: 2026-06-28. Review status: criteria provided, single submitter. Criteria: Ambry Variant Classification Scheme 2023. Collection method: clinical testing. Allele origin: germline.

Labcorp Genetics (formerly Invitae), Labcorp
Classification: Uncertain significance. Last evaluated: 2023-09-29. Review status: criteria provided, single submitter. Criteria: Invitae Variant Classification Sherloc (09022015). Collection method: clinical testing. Allele origin: germline.
Comment: In summary, the available evidence is currently insufficient to determine the role of this variant in disease. Therefore, it has been classified as a Variant of Uncertain Significance. Advanced modeling of protein sequence and biophysical properties (such as structural, functional, and spatial information, amino acid conservation, physicochemical variation, residue mobility, and thermodynamic stability) performed at Invitae indicates that this missense variant is not expected to disrupt ALPK1 protein function. This variant has not been reported in the literature in individuals affected with ALPK1-related conditions. This variant is present in population databases (rs752614014, gnomAD 0.006%). This sequence change replaces valine, which is neutral and non-polar, with alanine, which is neutral and non-polar, at codon 488 of the ALPK1 protein (p.Val488Ala).